The following is an entry in ClinVar:

ClinVar aggregate classification (germline): Likely benign. Review status: criteria provided, single submitter (1 of 4 stars). 2 submissions from 2 submitters: Likely benign (1). 1 of the submissions does not count toward it. Last evaluated 2025-06-29.

Conditions:
Gorlin syndrome. Also called: Basal cell nevus syndrome; Nevoid Basal Cell Carcinoma Syndrome. Identifiers: Orphanet 377, MedGen C0004779, MONDO:0007187.
PTCH2-related disorder. Also called: PTCH2-related condition; PTCH2-related disease.

Allele frequency attached by ClinVar (database versions not stated): gnomAD exomes 0.00022; ExAC 0.00027; 1000 Genomes Project 30x 0.00078; 1000 Genomes Project 0.00080; TOPMed 0.00081; gnomAD 0.00093 and 0.00097; ESP Exome Variant Server 0.00123.
gnomAD v4.1: 254 of 1,613,934 alleles (0.016%); highest among the groups gnomAD compares: African/African-American, 0.3%; no homozygotes.

Submissions (2):

Labcorp Genetics (formerly Invitae), Labcorp
Classification: Likely benign for Gorlin syndrome. Last evaluated: 2025-06-29. Review status: criteria provided, single submitter. Criteria: Invitae Variant Classification Sherloc (09022015). Collection method: clinical testing. Allele origin: germline.

PreventionGenetics, part of Exact Sciences
Classification: Likely benign for PTCH2-related condition. Last evaluated: 2022-03-17. Review status: no assertion criteria provided. Collection method: clinical testing. Allele origin: germline. Not counted in ClinVar's aggregate classification.
Comment: This variant is classified as likely benign based on ACMG/AMP sequence variant interpretation guidelines (Richards et al. 2015 PMID: 25741868, with internal and published modifications).

NM_003738.5(PTCH2):c.2693G>A (p.Arg898His)

Gene: PTCH2 (patched 2; minus strand). Cytogenetic location: 1p34.1.
Variant type: single nucleotide variant.
Coding change: c.2693G>A on transcript NM_003738.5 (MANE Select); coding-DNA position 2693, G replaced by A.
Protein change: p.Arg898His; replaces arginine 898 with histidine.
Molecular consequence: missense variant.
Genome position (GRCh38, 1-based): chr1:44,826,904, C>T on the plus strand (G>A on the coding strand, the complement: PTCH2 is on the minus strand). VCF-style: chr1-44826904-C-T. GRCh37 (hg19) VCF-style: chr1-45292576-C-T.
Other names: c.2693G>A, p.Arg898His (NM_001166292.2); short protein forms R898H.
Identifiers: ClinVar variation 524596 (VCV000524596.14), dbSNP rs143534131, ClinGen allele CA822933.
Genomic context (GRCh38, chr1:44,826,904, plus strand): 5'-GGCTCAGGGCTTGTGTGGGCGAGGCTGAGGCTCTTGCCGAGCTCCCCCCAAGACTCACTG[C>T]GAAGGTTCTCCCCCGTGGTGTCGTATTTGTCGTGCAGCCATTCAGGAGGTGGGGGGTAGA-3'
Protein context (NP_003729.3, residues 888-908): DKYDTTGENL[Arg898His]IPPAQPLEFA